The following is an entry in ClinVar:

ClinVar aggregate classification (germline): Likely pathogenic (1 of 4 stars; one submission).

Conditions:
Glycogen storage disease IXb (GSD9B). Also called: PHOSPHORYLASE KINASE DEFICIENCY OF LIVER AND MUSCLE, AUTOSOMAL RECESSIVE; GLYCOGENOSIS OF LIVER AND MUSCLE, AUTOSOMAL RECESSIVE; GSD IXb. Identifiers: Orphanet 79240, MedGen C0543514, MONDO:0009868, OMIM 261750.

Submission:

First Genomix Gene Laboratory, Genetic Diagnostics Department
Classification: Likely pathogenic for Glycogen storage disease IXb. Last evaluated: 2025-06-03. Review status: criteria provided, single submitter. Criteria: ACMG Guidelines, 2015. Collection method: clinical testing. Allele origin: germline. Inheritance: Autosomal recessive inheritance. Affected: no. Observed: 1 variant allele.

NM_000293.3(PHKB):c.1363+1del

Gene: PHKB (phosphorylase kinase regulatory subunit beta; plus strand). Cytogenetic location: 16q12.1.
Variant type: Deletion.
Coding change: c.1363+1del on transcript NM_000293.3 (MANE Select); the canonical splice donor site of the intron after coding-DNA position 1363, one base deleted (G; older notation c.1363+1delG).
Molecular consequence: splice donor variant.
Genome position (GRCh38, 1-based): chr16:47,596,532, G deleted; the last of 3 consecutive G bases (chr16:47,596,530-47,596,532); deleting any one gives the same sequence. VCF-style (leftmost placement, unchanged base first): chr16-47596529-TG-T. GRCh37 (hg19) VCF-style: chr16-47630440-TG-T.
Other names: c.1363+1del (NM_001363837.1); c.1342+1del (NM_001031835.3); c.1363+1delG (NM_000293.3).
Identifiers: ClinVar variation 4849424 (VCV004849424.1).